The following is an entry in ClinVar:

NM_177438.3(DICER1):c.5095+3A>G

Gene: DICER1 (dicer 1, ribonuclease III; minus strand). Cytogenetic location: 14q32.13.
Variant type: single nucleotide variant.
Coding change: c.5095+3A>G on transcript NM_177438.3 (MANE Select); 3 bases into the intron after coding-DNA position 5095, A replaced by G.
Molecular consequence: intron variant.
Genome position (GRCh38, 1-based): chr14:95,095,822, T>C on the plus strand (A>G on the coding strand, the complement: DICER1 is on the minus strand). VCF-style: chr14-95095822-T-C. GRCh37 (hg19) VCF-style: chr14-95562159-T-C.
Other names: c.5095+3A>G (NM_001291628.2, NM_030621.4, NM_001271282.3 and 1 more transcripts).
Identifiers: ClinVar variation 483446 (VCV000483446.6), dbSNP rs1179569679, ClinGen allele CA615844992.

ClinVar aggregate classification (germline): Uncertain significance (1 of 4 stars; one submission).

Conditions:
Hereditary cancer-predisposing syndrome. Also called: Tumor predisposition; Hereditary Cancer Syndrome; Neoplastic Syndromes, Hereditary; Hereditary neoplastic syndrome. Identifiers: Orphanet 140162, MedGen C0027672, MeSH D009386, MONDO:0015356.

Allele frequency attached by ClinVar (database versions not stated): gnomAD exomes below 0.00001.
gnomAD v4.1: 4 of 1,614,092 alleles (0.00025%); highest among the groups gnomAD compares: East Asian, 0.0022%; no homozygotes.

Submission:

Ambry Genetics
Classification: Uncertain significance for Hereditary cancer-predisposing syndrome. Last evaluated: 2026-02-06. Review status: criteria provided, single submitter. Criteria: Ambry Variant Classification Scheme 2023. Collection method: clinical testing. Allele origin: germline.
Comment: The c.5095+3A>G intronic variant results from an A to G substitution 3 nucleotides after coding exon 22 in the DICER1 gene. This nucleotide position is not well conserved in available vertebrate species. In silico splice site analysis for this alteration is inconclusive. Based on the available evidence, the clinical significance of this variant remains unclear.